The following is an entry in ClinVar:

ClinVar aggregate classification (germline): Uncertain significance (1 of 4 stars; one submission).

gnomAD v4.1: 1 of 1,534,242 alleles (0.000065%); highest among the groups gnomAD compares: Non-Finnish European, 0.000088%; no homozygotes.

Submission:

Dasa
Classification: Uncertain significance. Last evaluated: 2025-11-01. Review status: criteria provided, single submitter. Criteria: DASA Assertion Criteria. Collection method: clinical testing. Allele origin: germline.
Comment: NM_001384732.1(CPLANE1):c.888C>G (p.Ser296Arg) is a missense variant that results in the substitution of serine with arginine. This variant is rare in population databases. Computational prediction algorithms are consistent with a deleterious effect. The currently available literature and clinical evidence are not sufficient to establish a definitive association between this variant and the reported condition. Therefore, this variant is classified as a variant of uncertain significance.

NM_001384732.1(CPLANE1):c.888C>G (p.Ser296Arg)

Gene: CPLANE1 (ciliogenesis and planar polarity effector complex subunit 1; minus strand). Cytogenetic location: 5p13.2.
Variant type: single nucleotide variant.
Coding change: c.888C>G on transcript NM_001384732.1 (MANE Select); coding-DNA position 888, C replaced by G.
Protein change: p.Ser296Arg; replaces serine 296 with arginine.
Molecular consequence: missense variant.
Genome position (GRCh38, 1-based): chr5:37,238,907, G>C on the plus strand (C>G on the coding strand, the complement: CPLANE1 is on the minus strand). VCF-style: chr5-37238907-G-C. GRCh37 (hg19) VCF-style: chr5-37239009-G-C.
Other names: c.888C>G, p.Ser296Arg (NM_023073.4); short protein forms S296R.
Identifiers: ClinVar variation 4852665 (VCV004852665.2).